The following is an entry in ClinVar:

ClinVar aggregate classification (germline): Likely benign. Review status: criteria provided, single submitter (1 of 4 stars). 2 submissions from 2 submitters: Likely benign (1). 1 of the submissions does not count toward it. Last evaluated 2024-11-21.

Conditions:
ABCC1-related disorder. Also called: ABCC1-related condition.

Allele frequency attached by ClinVar (database versions not stated): 1000 Genomes Project 0.00040; 1000 Genomes Project 30x 0.00078; TOPMed 0.00117; ExAC 0.00154; ESP Exome Variant Server 0.00211.
gnomAD v4.1: 3,010 of 1,614,164 alleles (0.19%); highest among the groups gnomAD compares: Non-Finnish European, 0.23%; 4 homozygotes.

Submissions (2):

Blueprint Genetics
Classification: Likely benign. Last evaluated: 2024-11-21. Review status: criteria provided, single submitter. Criteria: ACMG Guidelines, 2015. Collection method: clinical testing. Allele origin: germline.

PreventionGenetics, part of Exact Sciences
Classification: Likely benign for ABCC1-related condition. Last evaluated: 2020-10-14. Review status: no assertion criteria provided. Collection method: clinical testing. Allele origin: germline. Not counted in ClinVar's aggregate classification.
Comment: This variant is classified as likely benign based on ACMG/AMP sequence variant interpretation guidelines (Richards et al. 2015 PMID: 25741868, with internal and published modifications).

NM_004996.4(ABCC1):c.3346G>A (p.Ala1116Thr)

Gene: ABCC1 (ATP binding cassette subfamily C member 1 (ABCC1 blood group); plus strand). Cytogenetic location: 16p13.11.
Variant type: single nucleotide variant.
Coding change: c.3346G>A on transcript NM_004996.4 (MANE Select); coding-DNA position 3346, G replaced by A.
Protein change: p.Ala1116Thr; replaces alanine 1116 with threonine.
Molecular consequence: missense variant.
Genome position (GRCh38, 1-based): chr16:16,115,032, G>A. VCF-style: chr16-16115032-G-A. GRCh37 (hg19) VCF-style: chr16-16208889-G-A.
Other names: c.3169G>A, p.Ala1057Thr (NM_019862.3); short protein forms A1057T, A1116T.
Identifiers: ClinVar variation 3035903 (VCV003035903.3), dbSNP rs200039403, ClinGen allele CA7924614.